The following is an entry in ClinVar:

ClinVar aggregate classification (germline): Likely benign. Review status: criteria provided, multiple submitters, no conflicts (2 of 4 stars). 2 submissions from 2 submitters: Likely benign (2). Last evaluated 2023-03-01.

Allele frequency attached by ClinVar (database versions not stated): ExAC 0.00001; gnomAD exomes 0.00002; TOPMed 0.00002; gnomAD 0.00003.
gnomAD v4.1: 26 of 1,613,408 alleles (0.0016%); highest among the groups gnomAD compares: Non-Finnish European, 0.0022%; no homozygotes.

Submissions (2):

CeGaT Center for Human Genetics Tuebingen
Classification: Likely benign. Last evaluated: 2023-03-01. Review status: criteria provided, single submitter. Criteria: CeGaT Center For Human Genetics Tuebingen Variant Classification Criteria Version 2. Collection method: clinical testing. Allele origin: germline. Affected: yes. Observed: 1 variant allele.
Comment: SOX4: BP4, BP7

Blueprint Genetics
Classification: Likely benign. Last evaluated: 2022-12-15. Review status: criteria provided, single submitter. Criteria: ACMG Guidelines, 2015. Collection method: clinical testing. Allele origin: germline.

NM_003107.3(SOX4):c.1272G>C (p.Ser424=)

Gene: SOX4 (SRY-box transcription factor 4; plus strand). Cytogenetic location: 6p22.3.
Variant type: single nucleotide variant.
Coding change: c.1272G>C on transcript NM_003107.3 (MANE Select); coding-DNA position 1272, G replaced by C.
Protein change: p.Ser424=; no amino-acid change (serine 424 retained).
Molecular consequence: synonymous variant.
Genome position (GRCh38, 1-based): chr6:21,595,806, G>C. VCF-style: chr6-21595806-G-C. GRCh37 (hg19) VCF-style: chr6-21596037-G-C.
Identifiers: ClinVar variation 2656284 (VCV002656284.25), dbSNP rs767288033, ClinGen allele CA3653757.